The following is an entry in ClinVar:

NM_002137.4(HNRNPA2B1):c.-3G>A

Gene: HNRNPA2B1 (heterogeneous nuclear ribonucleoprotein A2/B1; minus strand). Cytogenetic location: 7p15.2.
Variant type: single nucleotide variant.
Coding change: c.-3G>A on transcript NM_002137.4 (MANE Select); 3 bases upstream of the start codon, G replaced by A.
Molecular consequence: 5 prime UTR variant.
Genome position (GRCh38, 1-based): chr7:26,200,580, C>T on the plus strand (G>A on the coding strand, the complement: HNRNPA2B1 is on the minus strand). VCF-style: chr7-26200580-C-T. GRCh37 (hg19) VCF-style: chr7-26240200-C-T.
Other names: c.-3G>A (NM_031243.4).
Identifiers: ClinVar variation 3390189 (VCV003390189.14).
Genomic context (GRCh38, chr7:26,200,580, plus strand): 5'-CAACGGCCTCGCCATGCCCTTTTCAATAACTCATTGATTTCAAACCCGTTACCTCCATCG[C>T]GGACTCAGTCGCTTCAGCCCGATTTCCCGCAGCCGAGCGAGATGAGAGAGATCTCCGCGG-3'

ClinVar aggregate classification (germline): Uncertain significance (1 of 4 stars; one submission).

Submission:

CeGaT Center for Human Genetics Tuebingen
Classification: Uncertain significance. Last evaluated: 2024-11-01. Review status: criteria provided, single submitter. Criteria: CeGaT Center For Human Genetics Tuebingen Variant Classification Criteria Version 2. Collection method: clinical testing. Allele origin: germline. Affected: yes. Observed: 1 variant allele.
Comment: HNRNPA2B1: PM2, BP4